The following is an entry in ClinVar:

ClinVar aggregate classification (germline): Uncertain significance. Review status: criteria provided, multiple submitters, no conflicts (2 of 4 stars). 2 submissions from 2 submitters: Uncertain significance (2). Last evaluated 2024-12-20.

Conditions:
Inborn genetic diseases. Identifiers: MedGen C0950123, MeSH D030342.

Allele frequency attached by ClinVar (database versions not stated): gnomAD exomes 0.00001; TOPMed 0.00002.
gnomAD v4.1: 3 of 1,581,786 alleles (0.00019%); highest among the groups gnomAD compares: Admixed American, 0.0035%; no homozygotes.

Submissions (2):

Ambry Genetics
Classification: Uncertain significance for Inborn genetic diseases. Last evaluated: 2024-12-20. Review status: criteria provided, single submitter. Criteria: Ambry Variant Classification Scheme 2023. Collection method: clinical testing. Allele origin: germline.

Labcorp Genetics (formerly Invitae), Labcorp
Classification: Uncertain significance. Last evaluated: 2022-04-30. Review status: criteria provided, single submitter. Criteria: Invitae Variant Classification Sherloc (09022015). Collection method: clinical testing. Allele origin: germline.
Comment: In summary, the available evidence is currently insufficient to determine the role of this variant in disease. Therefore, it has been classified as a Variant of Uncertain Significance. Algorithms developed to predict the effect of missense changes on protein structure and function output the following: SIFT: "Tolerated"; PolyPhen-2: "Benign"; Align-GVGD: "Class C15". The cysteine amino acid residue is found in multiple mammalian species, which suggests that this missense change does not adversely affect protein function. This variant has not been reported in the literature in individuals affected with MSTO1-related conditions. This variant is present in population databases (no rsID available, gnomAD 0.003%). This sequence change replaces tyrosine, which is neutral and polar, with cysteine, which is neutral and slightly polar, at codon 268 of the MSTO1 protein (p.Tyr268Cys).

NM_018116.4(MSTO1):c.803A>G (p.Tyr268Cys)

Gene: MSTO1 (misato mitochondrial distribution and morphology regulator 1; plus strand). Cytogenetic location: 1q22.
Variant type: single nucleotide variant.
Coding change: c.803A>G on transcript NM_018116.4 (MANE Select); coding-DNA position 803, A replaced by G.
Protein change: p.Tyr268Cys; replaces tyrosine 268 with cysteine.
Molecular consequence: missense variant. On other transcripts: non-coding transcript variant (6).
Genome position (GRCh38, 1-based): chr1:155,612,306, A>G. VCF-style: chr1-155612306-A-G. GRCh37 (hg19) VCF-style: chr1-155582097-A-G.
Other names: c.803A>G, p.Tyr268Cys (NM_001350775.1, NM_001256532.1, NM_001256533.1 and 3 more transcripts); c.638A>G, p.Tyr213Cys (NM_001350776.1); c.272A>G, p.Tyr91Cys (NM_001350777.1, NM_001350778.1, NM_001350779.1); c.269A>G, p.Tyr90Cys (NM_001350780.1, NM_001350781.1, NM_001350782.1 and 3 more transcripts); c.260A>G, p.Tyr87Cys (NM_001350784.1, NM_001350785.1, NM_001350787.1 and 1 more transcripts); c.803A>G (NM_018116.2); short protein forms Y90C, Y91C, Y213C, Y268C, Y87C.
Identifiers: ClinVar variation 2196839 (VCV002196839.6), dbSNP rs1362950816, ClinGen allele CA342758626.